The following is an entry in ClinVar:

NM_015450.3(POT1):c.1178A>T (p.His393Leu)

Gene: POT1 (protection of telomeres 1; minus strand). Cytogenetic location: 7q31.33.
Variant type: single nucleotide variant.
Coding change: c.1178A>T on transcript NM_015450.3 (MANE Select); coding-DNA position 1178, A replaced by T.
Protein change: p.His393Leu; replaces histidine 393 with leucine.
Molecular consequence: missense variant. On other transcripts: non-coding transcript variant (3).
Genome position (GRCh38, 1-based): chr7:124,841,164, T>A on the plus strand (A>T on the coding strand, the complement: POT1 is on the minus strand). VCF-style: chr7-124841164-T-A. GRCh37 (hg19) VCF-style: chr7-124481218-T-A.
Other names: c.785A>T, p.His262Leu (NM_001042594.2); short protein forms H393L, H262L.
Identifiers: ClinVar variation 1741223 (VCV001741223.9), dbSNP rs746416077, ClinGen allele CA369067725.

ClinVar aggregate classification (germline): Uncertain significance. Review status: criteria provided, multiple submitters, no conflicts (2 of 4 stars). 3 submissions from 3 submitters: Uncertain significance (3). Last evaluated 2024-09-18.

Conditions:
Hereditary cancer-predisposing syndrome. Also called: Hereditary Cancer Syndrome; Hereditary neoplastic syndrome; Neoplastic Syndromes, Hereditary; Tumor predisposition. Identifiers: Orphanet 140162, MedGen C0027672, MeSH D009386, MONDO:0015356.
Tumor predisposition syndrome 3 (TPDS3). Also called: Melanoma, cutaneous malignant, susceptibility to, 10; Glioma susceptibility 9; LONG TELOMERE SYNDROME, POT1-RELATED; POT1 Tumor Predisposition. Identifiers: Orphanet 618, MedGen C4014476, MONDO:0014368, OMIM 615848.

gnomAD v4.1: 2 of 1,611,588 alleles (0.00012%); highest among the groups gnomAD compares: Admixed American, 0.0033%; no homozygotes.

Submissions (3):

Ambry Genetics
Classification: Uncertain significance for Hereditary cancer-predisposing syndrome. Last evaluated: 2024-09-18. Review status: criteria provided, single submitter. Criteria: Ambry Variant Classification Scheme 2023. Collection method: clinical testing. Allele origin: germline.
Comment: The p.H393L variant (also known as c.1178A>T), located in coding exon 10 of the POT1 gene, results from an A to T substitution at nucleotide position 1178. The histidine at codon 393 is replaced by leucine, an amino acid with similar properties. This amino acid position is conserved. In addition, this alteration is predicted to be tolerated by in silico analysis. Since supporting evidence is limited at this time, the clinical significance of this alteration remains unclear.

Labcorp Genetics (formerly Invitae), Labcorp
Classification: Uncertain significance for Tumor predisposition syndrome 3. Last evaluated: 2024-04-22. Review status: criteria provided, single submitter. Criteria: Invitae Variant Classification Sherloc (09022015). Collection method: clinical testing. Allele origin: germline.
Comment: This sequence change replaces histidine, which is basic and polar, with leucine, which is neutral and non-polar, at codon 393 of the POT1 protein (p.His393Leu). This variant is present in population databases (no rsID available, gnomAD 0.006%). This variant has not been reported in the literature in individuals affected with POT1-related conditions. ClinVar contains an entry for this variant (Variation ID: 1741223). Advanced modeling of protein sequence and biophysical properties (such as structural, functional, and spatial information, amino acid conservation, physicochemical variation, residue mobility, and thermodynamic stability) performed at Invitae indicates that this missense variant is not expected to disrupt POT1 protein function with a negative predictive value of 80%. In summary, the available evidence is currently insufficient to determine the role of this variant in disease. Therefore, it has been classified as a Variant of Uncertain Significance.

Quest Diagnostics Nichols Institute San Juan Capistrano
Classification: Uncertain significance. Last evaluated: 2024-02-14. Review status: criteria provided, single submitter. Criteria: Quest Diagnostics criteria. Collection method: clinical testing. Allele origin: unknown.
Comment: The POT1 c.1178A>T (p.His393Leu) variant has not been reported in individuals with POT1-related conditions in the published literature. The frequency of this variant in the general population, 0.000008 (2/249608 chromosomes (Genome Aggregation Database)), is uninformative in the assessment of its pathogenicity. Analysis of this variant using bioinformatics tools for the prediction of the effect of amino acid changes on protein structure and function yielded predictions that this variant is benign. Based on the available information, we are unable to determine the clinical significance of this variant.